The following is an entry in ClinVar:

ClinVar aggregate classification (germline): Pathogenic (1 of 4 stars; one submission).

Submission:

Labcorp Genetics (formerly Invitae), Labcorp
Classification: Pathogenic. Last evaluated: 2023-06-21. Review status: criteria provided, single submitter. Criteria: Invitae Variant Classification Sherloc (09022015). Collection method: clinical testing. Allele origin: unknown.
Comment: This variant has not been reported in the literature in individuals affected with DRP2-related conditions. For these reasons, this variant has been classified as Pathogenic. A gross deletion of the genomic region encompassing the full coding sequence of the DRP2 gene has been identified. Loss-of-function variants in DRP2 are known to be pathogenic (PMID: 22764250, 26227883). The boundaries of this event are unknown as they extend beyond the assayed region for this gene and therefore may encompass additional genes.

Literature cited by the submitters: PubMed 22764250; PubMed 26227883.

NC_000023.10:g.(?_100486637)_(100662891_?)del

Genes: TAF7L (TATA-box binding protein associated factor 7 like; minus strand), BTK (Bruton tyrosine kinase; minus strand), DRP2 (dystrophin related protein 2; plus strand), GLA (galactosidase alpha; minus strand), RPL36A (ribosomal protein L36a; plus strand) and 2 more. Cytogenetic location: Xq22.1.
Variant type: Deletion.
Identifiers: ClinVar variation 3246507 (VCV003246507.1).